The following is an entry in ClinVar:

NM_016219.5(MAN1B1):c.1998G>A (p.Lys666=)

Gene: MAN1B1 (mannosidase alpha class 1B member 1; plus strand). Cytogenetic location: 9q34.3.
Variant type: single nucleotide variant.
Coding change: c.1998G>A on transcript NM_016219.5 (MANE Select); coding-DNA position 1998, G replaced by A.
Protein change: p.Lys666=; no amino-acid change (lysine 666 retained).
Molecular consequence: synonymous variant. On other transcripts: non-coding transcript variant (2).
Genome position (GRCh38, 1-based): chr9:137,108,489, G>A. VCF-style: chr9-137108489-G-A. GRCh37 (hg19) VCF-style: chr9-140002941-G-A.
Identifiers: ClinVar variation 365977 (VCV000365977.11), dbSNP rs150436630, ClinGen allele CA10629651.
Genomic context (GRCh38, chr9:137,108,489, plus strand): 5'-TCCTCAGAAGCCCGAGCCTAGGGACAAGATGGAGAGCTTCTTCCTGGGGGAGACGCTCAA[G>A]TATCTGTTCTTGCTCTTCTCCGATGACCCAAACCTGCTCAGCCTGGATGCCTACGTGTTC-3'
Protein context (NP_057303.2, residues 656-676): MESFFLGETL[Lys666=]YLFLLFSDDP

ClinVar aggregate classification (germline): Conflicting classifications of pathogenicity. Review status: criteria provided, conflicting classifications (1 of 4 stars). 3 submissions from 3 submitters: Uncertain significance (1); Likely benign (2). Last evaluated 2026-06-01.

Conditions:
Rafiq syndrome (RAFQS). Identifiers: Orphanet 88616, MedGen C3280127, MONDO:0013624, OMIM 614202.

Allele frequency attached by ClinVar (database versions not stated): gnomAD 0.00001; gnomAD exomes 0.00001 and 0.00002; TOPMed 0.00001.
gnomAD v4.1: 19 of 1,613,902 alleles (0.0012%); highest among the groups gnomAD compares: Admixed American, 0.018%; no homozygotes.

Submissions (3):

CeGaT Center for Human Genetics Tuebingen
Classification: Likely benign. Last evaluated: 2026-06-01. Review status: criteria provided, single submitter. Criteria: CeGaT Center For Human Genetics Tuebingen Variant Classification Criteria Version 2. Collection method: clinical testing. Allele origin: germline. Affected: yes. Observed: 1 variant allele.
Comment: MAN1B1: BP4, BP7

Labcorp Genetics (formerly Invitae), Labcorp
Classification: Likely benign for Rafiq syndrome. Last evaluated: 2025-11-19. Review status: criteria provided, single submitter. Criteria: Invitae Variant Classification Sherloc (09022015). Collection method: clinical testing. Allele origin: germline.

Illumina Laboratory Services, Illumina
Classification: Uncertain significance for Rafiq syndrome. Last evaluated: 2018-01-12. Review status: criteria provided, single submitter. Criteria: ICSL Variant Classification Criteria 13 December 2019. Collection method: clinical testing. Allele origin: germline.